The following is an entry in ClinVar:

ClinVar aggregate classification (germline): Uncertain significance. Review status: criteria provided, multiple submitters, no conflicts (2 of 4 stars). 2 submissions from 2 submitters: Uncertain significance (2). Last evaluated 2025-02-25.

Conditions:
Alpha-N-acetylgalactosaminidase deficiency type 1. Also called: SCHINDLER DISEASE, TYPE I; ALPHA-N-ACETYLGALACTOSAMINIDASE DEFICIENCY, TYPE I; NAGA DEFICIENCY, TYPE I; NEUROAXONAL DYSTROPHY, SCHINDLER TYPE. Identifiers: Orphanet 3137, Orphanet 79279, Orphanet 79281, MedGen C1836544, MONDO:0012221, OMIM 609241.

Allele frequency attached by ClinVar (database versions not stated): TOPMed 0.00008; gnomAD exomes 0.00006; ESP Exome Variant Server 0.00008; gnomAD 0.00008; ExAC 0.00045.
gnomAD v4.1: 107 of 1,607,030 alleles (0.0067%); highest among the groups gnomAD compares: East Asian, 0.043%; no homozygotes.

Submissions (2):

Dasa
Classification: Uncertain significance. Last evaluated: 2025-02-25. Review status: criteria provided, single submitter. Criteria: DASA Assertion Criteria. Collection method: clinical testing. Allele origin: germline.
Comment: NM_000262.3(NAGA):c.541C>T (p.Arg181Cys) is a missense variant that results in the substitution of arginine with cysteine. This variant is rare in population databases. Computational prediction algorithms are consistent with a deleterious effect. The currently available literature and clinical evidence are not sufficient to establish a definitive association between this variant and the reported condition. Therefore, this variant is classified as a variant of uncertain significance.

Labcorp Genetics (formerly Invitae), Labcorp
Classification: Uncertain significance for Alpha-N-acetylgalactosaminidase deficiency type 1. Last evaluated: 2022-06-27. Review status: criteria provided, single submitter. Criteria: Invitae Variant Classification Sherloc (09022015). Collection method: clinical testing. Allele origin: germline.
Comment: This sequence change replaces arginine, which is basic and polar, with cysteine, which is neutral and slightly polar, at codon 181 of the NAGA protein (p.Arg181Cys). This variant is present in population databases (rs367943149, gnomAD 0.08%). This variant has not been reported in the literature in individuals affected with NAGA-related conditions. Algorithms developed to predict the effect of missense changes on protein structure and function (SIFT, PolyPhen-2, Align-GVGD) all suggest that this variant is likely to be disruptive. In summary, the available evidence is currently insufficient to determine the role of this variant in disease. Therefore, it has been classified as a Variant of Uncertain Significance.

NM_000262.3(NAGA):c.541C>T (p.Arg181Cys)

Genes: NAGA (alpha-N-acetylgalactosaminidase; minus strand), LOC126863160 (CDK7 strongly-dependent group 2 enhancer GRCh37_chr22:42462918-42464117; plus strand). Cytogenetic location: 22q13.2.
Variant type: single nucleotide variant.
Coding change: c.541C>T on transcript NM_000262.3 (MANE Select); coding-DNA position 541, C replaced by T.
Protein change: p.Arg181Cys; replaces arginine 181 with cysteine.
Molecular consequence: missense variant.
Genome position (GRCh38, 1-based): chr22:42,066,766, G>A on the plus strand (C>T on the coding strand, the complement: NAGA is on the minus strand). VCF-style: chr22-42066766-G-A. GRCh37 (hg19) VCF-style: chr22-42462770-G-A.
Other names: c.541C>T, p.Arg181Cys (NM_001362848.1, NM_001362850.1); short protein forms R181C.
Identifiers: ClinVar variation 2193002 (VCV002193002.3), dbSNP rs367943149, ClinGen allele CA10263777.